The following is an entry in ClinVar:

NM_000329.3(RPE65):c.683A>C (p.Gln228Pro)

Gene: RPE65 (retinoid isomerohydrolase RPE65; minus strand). Cytogenetic location: 1p31.3.
Variant type: single nucleotide variant.
Coding change: c.683A>C on transcript NM_000329.3 (MANE Select); coding-DNA position 683, A replaced by C.
Protein change: p.Gln228Pro; replaces glutamine 228 with proline.
Molecular consequence: missense variant.
Genome position (GRCh38, 1-based): chr1:68,439,603, T>G on the plus strand (A>C on the coding strand, the complement: RPE65 is on the minus strand). VCF-style: chr1-68439603-T-G. GRCh37 (hg19) VCF-style: chr1-68905286-T-G.
Other names: short protein forms Q228P.
Identifiers: ClinVar variation 298023 (VCV000298023.9), dbSNP rs886046510, ClinGen allele CA10611418.
Genomic context (GRCh38, chr1:68,439,603, plus strand): 5'-AGCAGGCCTTCAAGTTACCTATGAACGTAAGATGGCTTGAATCGGTCACTGCAGGGGAAT[T>G]GTACAACGATCTCTGACTTGCTTATTGGATCTTCCTTGTCTGAAATAAAGTGGTTTTAAA-3'
Protein context (NP_000320.1, residues 218-238): DPISKSEIVV[Gln228Pro]FPCSDRFKPS

ClinVar aggregate classification (germline): Conflicting classifications of pathogenicity. Review status: criteria provided, conflicting classifications (1 of 4 stars). 5 submissions from 4 submitters: Likely pathogenic (2); Uncertain significance (3). Last evaluated 2024-03-26.

Conditions:
Retinitis pigmentosa 20 (RP20). Identifiers: Orphanet 791, MedGen C3151086, MONDO:0013425, OMIM 613794.
Leber congenital amaurosis 2 (LCA2). Also called: AMAUROSIS CONGENITA OF LEBER II; Autosomal Recessive RPE65-Related Retinal Degeneration. Identifiers: Orphanet 65, MedGen C1859844, MONDO:0008765, OMIM 204100. Disease mechanism: loss of function.
Retinitis pigmentosa 87 with choroidal involvement. Identifiers: MedGen C5231465, MONDO:0032873, OMIM 618697.
Retinal dystrophy. Also called: Inherited retinal dystrophy. Identifiers: Orphanet 71862, MedGen C0854723, MeSH D058499, MONDO:0019118, HP:0000556.
Retinitis pigmentosa (RP). Identifiers: Orphanet 791, MedGen C0035334, MeSH D012174, MONDO:0019200, OMIM 268000. Inheritance: Autosomal dominant, autosomal recessive and X linked inheritance.

Allele frequency attached by ClinVar (database versions not stated): gnomAD exomes 0.00001.
gnomAD v4.1: 3 of 1,613,982 alleles (0.00019%); highest among the groups gnomAD compares: East Asian, 0.0067%; no homozygotes.

Submissions (5):

Baylor Genetics
Classification: Likely pathogenic for Leber congenital amaurosis 2. Last evaluated: 2024-03-26. Review status: criteria provided, single submitter. Criteria: ACMG Guidelines, 2015. Collection method: clinical testing. Allele origin: unknown.

Dept Of Ophthalmology, Nagoya University
Classification: Uncertain significance for Retinal dystrophy. Last evaluated: 2023-10-01. Review status: criteria provided, single submitter. Criteria: Submitter's publication. Collection method: research. Allele origin: germline. Affected: yes.

Illumina Laboratory Services, Illumina
Classification: Uncertain significance for Retinitis pigmentosa. Last evaluated: 2018-01-13. Review status: criteria provided, single submitter. Criteria: ICSL Variant Classification Criteria 13 December 2019. Collection method: clinical testing. Allele origin: germline.

Illumina Laboratory Services, Illumina
Classification: Uncertain significance for Leber congenital amaurosis 2. Last evaluated: 2018-01-13. Review status: criteria provided, single submitter. Criteria: ICSL Variant Classification Criteria 13 December 2019. Collection method: clinical testing. Allele origin: germline.

Juno Genomics, Hangzhou Juno Genomics, Inc
Classification: Likely pathogenic for Leber congenital amaurosis 2; Retinitis pigmentosa 20; Retinitis pigmentosa 87 with choroidal involvement. Review status: criteria provided, single submitter. Criteria: ACMG Guidelines, 2015. Collection method: clinical testing. Allele origin: germline.
Comment: Absent from controls (or at extremely low frequency if recessive) in Genome Aggregation Database.;Multiple lines of computational evidence support a deleterious effect on the gene or gene product.;For recessive disorders, detected in trans with a pathogenic variant.